The following is an entry in ClinVar:

NM_000264.5(PTCH1):c.1363C>G (p.Leu455Val)

Gene: PTCH1 (patched 1; minus strand). Cytogenetic location: 9q22.32.
Variant type: single nucleotide variant.
Coding change: c.1363C>G on transcript NM_000264.5 (MANE Select); coding-DNA position 1363, C replaced by G.
Protein change: p.Leu455Val; replaces leucine 455 with valine.
Molecular consequence: missense variant. On other transcripts: non-coding transcript variant (1), intron variant (1).
Genome position (GRCh38, 1-based): chr9:95,477,687, G>C on the plus strand (C>G on the coding strand, the complement: PTCH1 is on the minus strand). VCF-style: chr9-95477687-G-C. GRCh37 (hg19) VCF-style: chr9-98239969-G-C.
Other names: c.1165C>G, p.Leu389Val (NM_001083602.3); c.1360C>G, p.Leu454Val (NM_001083603.3); c.910C>G, p.Leu304Val (NM_001083604.3, NM_001083605.3, NM_001083606.3 and 1 more transcripts); c.1347+368C>G (NM_001354918.2); short protein forms L304V, L389V, L455V, L454V.
Identifiers: ClinVar variation 3635856 (VCV003635856.2).
Genomic context (GRCh38, chr9:95,477,687, plus strand): 5'-GGACGCCAGCCAGCCCCACGGCACCCTGGGACTTGGAGCAGTCCCAGCGCAGCATGGTTA[G>C]ACAGGCATAGGCGAGCTGCAAGCAGAACAATGGGGGCACAGAACAAAAGCCGAACATTAG-3'
Protein context (NP_000255.2, residues 445-465): GYLLMLAYAC[Leu455Val]TMLRWDCSKS

ClinVar aggregate classification (germline): Uncertain significance (1 of 4 stars; one submission).

Conditions:
Gorlin syndrome. Also called: Nevoid Basal Cell Carcinoma Syndrome; Basal cell nevus syndrome. Identifiers: Orphanet 377, MedGen C0004779, MONDO:0007187.

Submission:

Labcorp Genetics (formerly Invitae), Labcorp
Classification: Uncertain significance for Gorlin syndrome. Last evaluated: 2024-11-18. Review status: criteria provided, single submitter. Criteria: Invitae Variant Classification Sherloc (09022015). Collection method: clinical testing. Allele origin: germline.
Comment: This sequence change replaces leucine, which is neutral and non-polar, with valine, which is neutral and non-polar, at codon 455 of the PTCH1 protein (p.Leu455Val). This variant is not present in population databases (gnomAD no frequency). This variant has not been reported in the literature in individuals affected with PTCH1-related conditions. Invitae Evidence Modeling of protein sequence and biophysical properties (such as structural, functional, and spatial information, amino acid conservation, physicochemical variation, residue mobility, and thermodynamic stability) indicates that this missense variant is not expected to disrupt PTCH1 protein function with a negative predictive value of 95%. In summary, the available evidence is currently insufficient to determine the role of this variant in disease. Therefore, it has been classified as a Variant of Uncertain Significance.